The following is an entry in ClinVar:

ClinVar aggregate classification (germline): Uncertain significance (1 of 4 stars; one submission).

Conditions:
Left ventricular noncompaction 1 (LVNC1). Also called: LEFT VENTRICULAR NONCOMPACTION 1 WITH OR WITHOUT CONGENITAL HEART DEFECTS. Identifiers: Orphanet 54260, MedGen C1858725, MONDO:0011403, OMIM 604169.

Allele frequency attached by ClinVar (database versions not stated): gnomAD exomes below 0.00001.
gnomAD v4.1: 3 of 1,614,122 alleles (0.00019%); highest among the groups gnomAD compares: African/African-American, 0.0027%; no homozygotes.

Submission:

Labcorp Genetics (formerly Invitae), Labcorp
Classification: Uncertain significance for Left ventricular noncompaction 1. Last evaluated: 2024-04-30. Review status: criteria provided, single submitter. Criteria: Invitae Variant Classification Sherloc (09022015). Collection method: clinical testing. Allele origin: germline.
Comment: This sequence change replaces threonine, which is neutral and polar, with alanine, which is neutral and non-polar, at codon 74 of the DTNA protein (p.Thr74Ala). This variant is not present in population databases (gnomAD no frequency). This variant has not been reported in the literature in individuals affected with DTNA-related conditions. Advanced modeling of protein sequence and biophysical properties (such as structural, functional, and spatial information, amino acid conservation, physicochemical variation, residue mobility, and thermodynamic stability) performed at Invitae indicates that this missense variant is not expected to disrupt DTNA protein function with a negative predictive value of 80%. In summary, the available evidence is currently insufficient to determine the role of this variant in disease. Therefore, it has been classified as a Variant of Uncertain Significance.

NM_001386795.1(DTNA):c.220A>G (p.Thr74Ala)

Gene: DTNA (dystrobrevin alpha; plus strand). Cytogenetic location: 18q12.1.
Variant type: single nucleotide variant.
Coding change: c.220A>G on transcript NM_001386795.1 (MANE Select); coding-DNA position 220, A replaced by G.
Protein change: p.Thr74Ala; replaces threonine 74 with alanine.
Molecular consequence: missense variant.
Genome position (GRCh38, 1-based): chr18:34,794,108, A>G. VCF-style: chr18-34794108-A-G. GRCh37 (hg19) VCF-style: chr18-32374072-A-G.
Other names: c.220A>G, p.Thr74Ala (NM_001128175.2, NM_001198938.2, NM_001198939.2 and 35 more transcripts); short protein forms T74A.
Identifiers: ClinVar variation 2872967 (VCV002872967.3), dbSNP rs1568544447, ClinGen allele CA402274911.
Genomic context (GRCh38, chr18:34,794,108, plus strand): 5'-GACATATGGAATGTCATAGAAGCATTGCGGGAAAATGCTCTGAACAACCTGGACCCAAAC[A>G]CTGAACTCAACGTGTCCCGCTTAGAGGCTGTGCTCTCCACTATTTTTTACCAGCTCAACA-3'
Protein context (NP_001373724.1, residues 64-84): ENALNNLDPN[Thr74Ala]ELNVSRLEAV